The following is an entry in ClinVar:

NM_006019.4(TCIRG1):c.325C>T (p.Arg109Trp)

Gene: TCIRG1 (T cell immune regulator 1, ATPase H+ transporting V0 subunit a3; plus strand). Cytogenetic location: 11q13.2.
Variant type: single nucleotide variant.
Coding change: c.325C>T on transcript NM_006019.4 (MANE Select); coding-DNA position 325, C replaced by T.
Protein change: p.Arg109Trp; replaces arginine 109 with tryptophan.
Molecular consequence: missense variant. On other transcripts: 5 prime UTR variant (1).
Genome position (GRCh38, 1-based): chr11:68,042,771, C>T. VCF-style: chr11-68042771-C-T. GRCh37 (hg19) VCF-style: chr11-67810238-C-T.
Other names: c.-925C>T (NM_001351059.2); short protein forms R109W.
Identifiers: ClinVar variation 3704295 (VCV003704295.1).

ClinVar aggregate classification (germline): Uncertain significance (1 of 4 stars; one submission).

gnomAD v4.1: 63 of 1,547,780 alleles (0.0041%); highest among the groups gnomAD compares: South Asian, 0.058%; no homozygotes.

Submission:

Labcorp Genetics (formerly Invitae), Labcorp
Classification: Uncertain significance. Last evaluated: 2024-07-04. Review status: criteria provided, single submitter. Criteria: Invitae Variant Classification Sherloc (09022015). Collection method: clinical testing. Allele origin: germline.
Comment: This sequence change replaces arginine, which is basic and polar, with tryptophan, which is neutral and slightly polar, at codon 109 of the TCIRG1 protein (p.Arg109Trp). This variant is present in population databases (rs201329219, gnomAD 0.06%). This variant has not been reported in the literature in individuals affected with TCIRG1-related conditions. Advanced modeling of protein sequence and biophysical properties (such as structural, functional, and spatial information, amino acid conservation, physicochemical variation, residue mobility, and thermodynamic stability) has been performed at Invitae for this missense variant, however the output from this modeling did not meet the statistical confidence thresholds required to predict the impact of this variant on TCIRG1 protein function. In summary, the available evidence is currently insufficient to determine the role of this variant in disease. Therefore, it has been classified as a Variant of Uncertain Significance.